The following is an entry in ClinVar:

NM_001195263.2(PDZD7):c.2224G>A (p.Ala742Thr)

Gene: PDZD7 (PDZ domain containing 7; minus strand). Cytogenetic location: 10q24.31.
Variant type: single nucleotide variant.
Coding change: c.2224G>A on transcript NM_001195263.2 (MANE Select); coding-DNA position 2224, G replaced by A.
Protein change: p.Ala742Thr; replaces alanine 742 with threonine.
Molecular consequence: missense variant.
Genome position (GRCh38, 1-based): chr10:101,010,665, C>T on the plus strand (G>A on the coding strand, the complement: PDZD7 is on the minus strand). VCF-style: chr10-101010665-C-T. GRCh37 (hg19) VCF-style: chr10-102770422-C-T.
Other names: short protein forms A742T.
Identifiers: ClinVar variation 2141135 (VCV002141135.1), dbSNP rs532826484, ClinGen allele CA5653999.

ClinVar aggregate classification (germline): Uncertain significance (1 of 4 stars; one submission).

Allele frequency attached by ClinVar (database versions not stated): TOPMed 0.00002; gnomAD 0.00007; gnomAD exomes 0.00017; 1000 Genomes Project 30x 0.00078; 1000 Genomes Project 0.00080.
gnomAD v4.1: 231 of 1,510,426 alleles (0.015%); highest among the groups gnomAD compares: East Asian, 0.56%; 3 homozygotes.

Submission:

Labcorp Genetics (formerly Invitae), Labcorp
Classification: Uncertain significance. Last evaluated: 2022-09-06. Review status: criteria provided, single submitter. Criteria: Invitae Variant Classification Sherloc (09022015). Collection method: clinical testing. Allele origin: germline.
Comment: This sequence change replaces alanine, which is neutral and non-polar, with threonine, which is neutral and polar, at codon 742 of the PDZD7 protein (p.Ala742Thr). This variant is present in population databases (rs532826484, gnomAD 0.1%). This variant has not been reported in the literature in individuals affected with PDZD7-related conditions. Algorithms developed to predict the effect of missense changes on protein structure and function output the following: SIFT: "Deleterious"; PolyPhen-2: "Not Available"; Align-GVGD: "Class C0". The threonine amino acid residue is found in multiple mammalian species, which suggests that this missense change does not adversely affect protein function. In summary, the available evidence is currently insufficient to determine the role of this variant in disease. Therefore, it has been classified as a Variant of Uncertain Significance.